The following is an entry in ClinVar:

ClinVar aggregate classification (germline): Uncertain significance (1 of 4 stars; one submission).

gnomAD v4.1: 1 of 1,516,280 alleles (0.000066%); no homozygotes.

Submission:

Mayo Clinic Laboratories, Mayo Clinic
Classification: Uncertain significance. Last evaluated: 2025-03-19. Review status: criteria provided, single submitter. Criteria: ACMG Guidelines, 2015. Collection method: clinical testing. Allele origin: germline. Observed: 1 variant allele.
Comment: PP3_moderate, PM2_supporting, PM3_supporting

Literature cited by the submitters: PubMed 35287262.

NM_024306.5(FA2H):c.130C>A (p.Pro44Thr)

Genes: FA2H (fatty acid 2-hydroxylase; minus strand), LOC130059394 (ATAC-STARR-seq lymphoblastoid silent region 7701; plus strand). Cytogenetic location: 16q23.1.
Variant type: single nucleotide variant.
Coding change: c.130C>A on transcript NM_024306.5 (MANE Select); coding-DNA position 130, C replaced by A.
Protein change: p.Pro44Thr; replaces proline 44 with threonine.
Molecular consequence: missense variant.
Genome position (GRCh38, 1-based): chr16:74,774,626, G>T on the plus strand (C>A on the coding strand, the complement: FA2H is on the minus strand). VCF-style: chr16-74774626-G-T. GRCh37 (hg19) VCF-style: chr16-74808524-G-T.
Other names: p.Pro44Thr; short protein forms P44T.
Identifiers: ClinVar variation 4542043 (VCV004542043.1).